The following is an entry in ClinVar:

ClinVar aggregate classification (germline): Uncertain significance. Review status: criteria provided, multiple submitters, no conflicts (2 of 4 stars). 4 submissions from 4 submitters: Uncertain significance (3). 1 of the submissions does not count toward it. Last evaluated 2024-05-10.

Conditions:
Inborn genetic diseases. Identifiers: MedGen C0950123, MeSH D030342.
Retinitis pigmentosa 59 (RP59). Identifiers: Orphanet 791, MedGen C3151227, MONDO:0013468, OMIM 613861.

Allele frequency attached by ClinVar (database versions not stated): TOPMed 0.00001.
gnomAD v4.1: 55 of 1,612,246 alleles (0.0034%); highest among the groups gnomAD compares: Middle Eastern, 0.02%; no homozygotes.

Submissions (4):

Labcorp Genetics (formerly Invitae), Labcorp
Classification: Uncertain significance for Retinitis pigmentosa 59. Last evaluated: 2024-05-10. Review status: criteria provided, single submitter. Criteria: Invitae Variant Classification Sherloc (09022015). Collection method: clinical testing. Allele origin: germline.
Comment: This sequence change replaces arginine, which is basic and polar, with histidine, which is basic and polar, at codon 328 of the DHDDS protein (p.Arg328His). This variant is present in population databases (rs780269059, gnomAD 0.02%). This variant has not been reported in the literature in individuals affected with DHDDS-related conditions. ClinVar contains an entry for this variant (Variation ID: 642360). Algorithms developed to predict the effect of missense changes on protein structure and function output the following: SIFT: "Not Available"; PolyPhen-2: "Benign"; Align-GVGD: "Not Available". The histidine amino acid residue is found in multiple mammalian species, which suggests that this missense change does not adversely affect protein function. In summary, the available evidence is currently insufficient to determine the role of this variant in disease. Therefore, it has been classified as a Variant of Uncertain Significance.

Blueprint Genetics
Classification: Uncertain significance. Last evaluated: 2022-12-12. Review status: criteria provided, single submitter. Criteria: ACMG Guidelines, 2015. Collection method: clinical testing. Allele origin: germline.

Ambry Genetics
Classification: Uncertain significance for Inborn genetic diseases. Last evaluated: 2022-03-17. Review status: criteria provided, single submitter. Criteria: Ambry Variant Classification Scheme 2023. Collection method: clinical testing. Allele origin: germline.
Comment: Unlikely to be causative of DHDDS-related neurodevelopmental disorder (AD) Based on insufficient or conflicting evidence, the clinical significance of this alteration remains unclear.

Natera, Inc.
Classification: Uncertain significance for Retinitis pigmentosa type 59. Last evaluated: 2020-09-16. Review status: no assertion criteria provided. Collection method: clinical testing. Allele origin: germline. Not counted in ClinVar's aggregate classification.

NM_205861.3(DHDDS):c.980G>A (p.Arg327His)

Gene: DHDDS (dehydrodolichyl diphosphate synthase subunit; plus strand). Cytogenetic location: 1p36.11.
Variant type: single nucleotide variant.
Coding change: c.980G>A on transcript NM_205861.3 (MANE Select); coding-DNA position 980, G replaced by A.
Protein change: p.Arg327His; replaces arginine 327 with histidine.
Molecular consequence: missense variant.
Genome position (GRCh38, 1-based): chr1:26,469,109, G>A. VCF-style: chr1-26469109-G-A. GRCh37 (hg19) VCF-style: chr1-26795600-G-A.
Other names: c.878G>A, p.Arg293His (NM_001243564.2); c.863G>A, p.Arg288His (NM_001243565.2); c.701G>A, p.Arg234His (NM_001319959.2); c.983G>A, p.Arg328His (NM_024887.4); short protein forms R234H, R288H, R293H, R328H, R327H.
Identifiers: ClinVar variation 642360 (VCV000642360.12), dbSNP rs780269059, ClinGen allele CA705507.